The following is an entry in ClinVar:

ClinVar aggregate classification (germline): Uncertain significance (1 of 4 stars; one submission).

Allele frequency attached by ClinVar (database versions not stated): gnomAD exomes 0.00001.
gnomAD v4.1: 5 of 1,613,820 alleles (0.00031%); highest among the groups gnomAD compares: Non-Finnish European, 0.00042%; no homozygotes.

Submission:

Labcorp Genetics (formerly Invitae), Labcorp
Classification: Uncertain significance. Last evaluated: 2021-05-04. Review status: criteria provided, single submitter. Criteria: Invitae Variant Classification Sherloc (09022015). Collection method: clinical testing. Allele origin: germline.
Comment: Algorithms developed to predict the effect of sequence changes on RNA splicing suggest that this variant may create or strengthen a splice site, but this prediction has not been confirmed by published transcriptional studies. This sequence change replaces asparagine with serine at codon 1143 of the CACNA1D protein (p.Asn1143Ser). The asparagine residue is highly conserved and there is a small physicochemical difference between asparagine and serine. This variant is not present in population databases (ExAC no frequency). This variant has not been reported in the literature in individuals with CACNA1D-related conditions. Algorithms developed to predict the effect of missense changes on protein structure and function (SIFT, PolyPhen-2, Align-GVGD) all suggest that this variant is likely to be disruptive, but these predictions have not been confirmed by published functional studies and their clinical significance is uncertain. In summary, the available evidence is currently insufficient to determine the role of this variant in disease. Therefore, it has been classified as a Variant of Uncertain Significance.

NM_001128840.3(CACNA1D):c.3368A>G (p.Asn1123Ser)

Genes: CACNA1D (calcium voltage-gated channel subunit alpha1 D; plus strand), LOC129936904 (ATAC-STARR-seq lymphoblastoid active region 19969; plus strand). Cytogenetic location: 3p21.1.
Variant type: single nucleotide variant.
Coding change: c.3368A>G on transcript NM_001128840.3 (MANE Select); coding-DNA position 3368, A replaced by G.
Protein change: p.Asn1123Ser; replaces asparagine 1123 with serine.
Molecular consequence: missense variant.
Genome position (GRCh38, 1-based): chr3:53,749,321, A>G. VCF-style: chr3-53749321-A-G. GRCh37 (hg19) VCF-style: chr3-53783348-A-G.
Other names: c.3428A>G, p.Asn1143Ser (NM_000720.4); c.3368A>G, p.Asn1123Ser (NM_001128839.3); short protein forms N1143S, N1123S.
Identifiers: ClinVar variation 1351272 (VCV001351272.8), dbSNP rs2108865115, ClinGen allele CA353248591.
Genomic context (GRCh38, chr3:53,749,321, plus strand): 5'-TCTCTAGGTTGCTGTATAAAGCCATCGACTCGAATGGAGAGAACATCGGCCCAATCTACA[A>G]CCACCGCGTGGAGATCTCCATCTTCTTCATCATCTACATCATCATTGTAGCTTTCTTCAT-3'
Protein context (NP_001122312.1, residues 1113-1133): SNGENIGPIY[Asn1123Ser]HRVEISIFFI